The following is an entry in ClinVar:

ClinVar aggregate classification (germline): Uncertain significance. Review status: criteria provided, multiple submitters, no conflicts (2 of 4 stars). 2 submissions from 2 submitters: Uncertain significance (2). Last evaluated 2024-03-06.

Conditions:
Familial thoracic aortic aneurysm and aortic dissection (TAAD). Also called: Thoracic aortic aneurysms and dissections. Identifiers: Orphanet 91387, MedGen C4707243, MONDO:0019625.
Marfan syndrome (MFS). Also called: Marfan syndrome, classic; Marfan syndrome type 1; Marfan's syndrome; FBN1-Related Marfan Syndrome; MARFAN SYNDROME, TYPE I. Identifiers: Orphanet 284963, Orphanet 558, MedGen C0024796, MONDO:0007947, OMIM 154700.

Submissions (2):

Color Diagnostics, LLC DBA Color Health
Classification: Uncertain significance for Familial thoracic aortic aneurysm and aortic dissection. Last evaluated: 2024-03-06. Review status: criteria provided, single submitter. Criteria: ACMG Guidelines, 2015. Collection method: clinical testing. Allele origin: germline.
Comment: This missense variant replaces arginine with lysine at codon 182 of the FBN1 protein. Computational prediction suggests that this variant may have deleterious impact on protein structure and function (internally defined REVEL score threshold >= 0.7, PMID: 27666373). To our knowledge, functional studies have not been reported for this variant. This variant has not been reported in individuals affected with FBN1-related disorders in the literature. This variant has not been identified in the general population by the Genome Aggregation Database (gnomAD). The available evidence is insufficient to determine the role of this variant in disease conclusively. Therefore, this variant is classified as a Variant of Uncertain Significance.

All of Us Research Program, National Institutes of Health
Classification: Uncertain significance for Marfan syndrome. Last evaluated: 2023-05-04. Review status: criteria provided, single submitter. Criteria: ACMG Guidelines, 2015. Collection method: clinical testing. Allele origin: germline. Inheritance: Autosomal dominant inheritance. Observed: 1 variant allele, 1 heterozygote.
Comment: Variant of Uncertain Significance due to insufficient evidence: This missense variant replaces arginine with lysine at codon 182 of the FBN1 protein. Computational prediction tools and conservation analyses suggest that this variant may have deleterious impact on the protein function. Computational splicing tools suggest that this variant may not impact RNA splicing. To our knowledge, functional assays have not been performed for this variant nor has this variant been reported in individuals affected with cardiovascular disorders in the literature. This variant is rare in the general population and has been identified in 0/277264 chromosomes by the Genome Aggregation Database (gnomAD). Available evidence is insufficient to determine the pathogenicity of this variant conclusively.

This study involves interpretation of variants in research participants for the purpose of population health screening. Participant phenotype was not available at the time of variant classification. Additional details can be found in publication PMID: 35346344, PMCID: PMC8962531

NM_000138.5(FBN1):c.545G>A (p.Arg182Lys)

Gene: FBN1 (fibrillin 1; minus strand). Cytogenetic location: 15q21.1.
Variant type: single nucleotide variant.
Coding change: c.545G>A on transcript NM_000138.5 (MANE Select); coding-DNA position 545, G replaced by A.
Protein change: p.Arg182Lys; replaces arginine 182 with lysine.
Molecular consequence: missense variant.
Genome position (GRCh38, 1-based): chr15:48,537,802, C>T on the plus strand (G>A on the coding strand, the complement: FBN1 is on the minus strand). VCF-style: chr15-48537802-C-T. GRCh37 (hg19) VCF-style: chr15-48829999-C-T.
Other names: short protein forms R182K.
Identifiers: ClinVar variation 923988 (VCV000923988.6), dbSNP rs2044026912, ClinGen allele CA392446188.